The following is an entry in ClinVar:

NM_000245.4(MET):c.1701+3A>C

Gene: MET (MET proto-oncogene, receptor tyrosine kinase; plus strand). Cytogenetic location: 7q31.2.
Variant type: single nucleotide variant.
Coding change: c.1701+3A>C on transcript NM_000245.4 (MANE Select); 3 bases into the intron after coding-DNA position 1701, A replaced by C.
Molecular consequence: intron variant.
Genome position (GRCh38, 1-based): chr7:116,741,028, A>C. VCF-style: chr7-116741028-A-C. GRCh37 (hg19) VCF-style: chr7-116381082-A-C.
Other names: c.1701+3A>C (NM_001127500.3, NM_001324401.3); c.411+3A>C (NM_001324402.2).
Identifiers: ClinVar variation 1512507 (VCV001512507.6), dbSNP rs779880717, ClinGen allele CA2573141497.

ClinVar aggregate classification (germline): Uncertain significance (1 of 4 stars; one submission).

Conditions:
Renal cell carcinoma. Identifiers: Orphanet 217071, MedGen C0007134, MeSH D002292, MONDO:0005086, HP:0005584.

Submission:

Labcorp Genetics (formerly Invitae), Labcorp
Classification: Uncertain significance for Renal cell carcinoma. Last evaluated: 2021-08-13. Review status: criteria provided, single submitter. Criteria: Invitae Variant Classification Sherloc (09022015). Collection method: clinical testing. Allele origin: germline.
Comment: In summary, the available evidence is currently insufficient to determine the role of this variant in disease. Therefore, it has been classified as a Variant of Uncertain Significance. Variants that disrupt the consensus splice site are a relatively common cause of aberrant splicing (PMID: 17576681, 9536098). Algorithms developed to predict the effect of sequence changes on RNA splicing suggest that this variant may disrupt the consensus splice site. This variant has not been reported in the literature in individuals affected with MET-related conditions. This variant is not present in population databases (ExAC no frequency). This sequence change falls in intron 5 of the MET gene. It does not directly change the encoded amino acid sequence of the MET protein. It affects a nucleotide within the consensus splice site of the intron.

Literature cited by the submitters: PubMed 17576681; PubMed 9536098.